The following is an entry in ClinVar:

ClinVar aggregate classification (germline): Uncertain significance. Review status: criteria provided, multiple submitters, no conflicts (2 of 4 stars). 2 submissions from 2 submitters: Uncertain significance (2). Last evaluated 2022-07-26.

Conditions:
Nemaline myopathy 10 (NEM10). Identifiers: MedGen C4015360, MONDO:0014513, OMIM 616165.

Submissions (2):

Labcorp Genetics (formerly Invitae), Labcorp
Classification: Uncertain significance for Nemaline myopathy 10. Last evaluated: 2022-07-26. Review status: criteria provided, single submitter. Criteria: Invitae Variant Classification Sherloc (09022015). Collection method: clinical testing. Allele origin: germline.
Comment: This variant, c.471_473del, results in the deletion of 1 amino acid(s) of the LMOD3 protein (p.Asp157del), but otherwise preserves the integrity of the reading frame. This variant is present in population databases (rs759855873, gnomAD 0.09%). This variant has not been reported in the literature in individuals affected with LMOD3-related conditions. ClinVar contains an entry for this variant (Variation ID: 849579). Experimental studies and prediction algorithms are not available or were not evaluated, and the functional significance of this variant is currently unknown. In summary, the available evidence is currently insufficient to determine the role of this variant in disease. Therefore, it has been classified as a Variant of Uncertain Significance.

GeneDx
Classification: Uncertain significance. Last evaluated: 2019-05-21. Review status: criteria provided, single submitter. Criteria: GeneDx Variant Classification Process June 2021. Collection method: clinical testing. Allele origin: germline. Affected: yes.
Comment: In-frame deletion in a repetitive region with no known function; Has not been previously published as pathogenic or benign to our knowledge

NM_198271.5(LMOD3):c.468CGA[1] (p.Asp157del)

Gene: LMOD3 (leiomodin 3; minus strand). Cytogenetic location: 3p14.1.
Variant type: Microsatellite.
Coding change: c.468CGA[1] on transcript NM_198271.5 (MANE Select); one copy of the 3-base unit CGA starting at c.468; the reference has two copies in a row; one copy, 3 bases deleted.
Protein change: p.Asp157del; deletes aspartic acid 157.
Molecular consequence: inframe deletion.
Genome position (GRCh38, 1-based): chr3:69,119,882-69,119,884, TCG deleted on the plus strand (CGA on the coding strand, the reverse complement: LMOD3 is on the minus strand); deleting any 3 consecutive bases within chr3:69,119,882-69,119,889 gives the same sequence; the position shown is the placement nearest the transcript's 3' end. VCF-style (leftmost placement, unchanged base first): chr3-69119881-TTCG-T. GRCh37 (hg19) VCF-style: chr3-69169032-TTCG-T.
Other names: c.468CGA[1], p.Asp157del (NM_001304418.3); short protein forms D157del.
Identifiers: ClinVar variation 849579 (VCV000849579.5), dbSNP rs759855873, ClinGen allele CA2488971.